The following is an entry in ClinVar:

ClinVar aggregate classification (germline): Uncertain significance (1 of 4 stars; one submission).

Submission:

GeneDx
Classification: Uncertain significance. Last evaluated: 2022-02-15. Review status: criteria provided, single submitter. Criteria: GeneDx Variant Classification Process June 2021. Collection method: clinical testing. Allele origin: germline. Affected: yes.
Comment: Has not been previously published as pathogenic or benign to our knowledge; In silico analysis supports that this missense variant does not alter protein structure/function; Not observed at significant frequency in large population cohorts (gnomAD)

NM_012330.4(KAT6B):c.4678C>G (p.Gln1560Glu)

Gene: KAT6B (lysine acetyltransferase 6B; plus strand). Cytogenetic location: 10q22.2.
Variant type: single nucleotide variant.
Coding change: c.4678C>G on transcript NM_012330.4 (MANE Select); coding-DNA position 4678, C replaced by G.
Protein change: p.Gln1560Glu; replaces glutamine 1560 with glutamic acid.
Molecular consequence: missense variant.
Genome position (GRCh38, 1-based): chr10:75,029,502, C>G. VCF-style: chr10-75029502-C-G. GRCh37 (hg19) VCF-style: chr10-76789260-C-G.
Other names: c.4129C>G, p.Gln1377Glu (NM_001256468.2, NM_001370138.1); c.3802C>G, p.Gln1268Glu (NM_001256469.2, NM_001370139.1, NM_001370140.1 and 2 more transcripts); c.3640C>G, p.Gln1214Glu (NM_001370132.1); c.2989C>G, p.Gln997Glu (NM_001370133.1); c.2593C>G, p.Gln865Glu (NM_001370134.1); c.2335C>G, p.Gln779Glu (NM_001370135.1); c.4678C>G, p.Gln1560Glu (NM_001370136.1, NM_001370137.1); c.3613C>G, p.Gln1205Glu (NM_001370143.1, NM_001370144.1); short protein forms Q1205E, Q1214E, Q1268E, Q1377E, Q1560E, Q779E, Q865E, Q997E.
Identifiers: ClinVar variation 1343051 (VCV001343051.2), dbSNP rs2134242903, ClinGen allele CA377298398.